The following is an entry in ClinVar:

ClinVar aggregate classification (germline): Pathogenic (1 of 4 stars; one submission).

Submission:

Labcorp Genetics (formerly Invitae), Labcorp
Classification: Pathogenic. Last evaluated: 2024-05-01. Review status: criteria provided, single submitter. Criteria: Invitae Variant Classification Sherloc (09022015). Collection method: clinical testing. Allele origin: germline.
Comment: This sequence change creates a premature translational stop signal (p.Lys328Ilefs*89) in the CHM gene. It is expected to result in an absent or disrupted protein product. Loss-of-function variants in CHM are known to be pathogenic (PMID: 9067750, 23811034). This variant is not present in population databases (gnomAD no frequency). This variant has not been reported in the literature in individuals affected with CHM-related conditions. For these reasons, this variant has been classified as Pathogenic.

Literature cited by the submitters: PubMed 9067750; PubMed 23811034.

NM_000390.4(CHM):c.983_984del (p.Lys328fs)

Gene: CHM (CHM Rab escort protein; minus strand). Cytogenetic location: Xq21.2.
Variant type: Deletion.
Coding change: c.983_984del on transcript NM_000390.4 (MANE Select); coding-DNA positions 983 to 984, 2 bases deleted (AA; older notation c.983_984delAA).
Protein change: p.Lys328fs; shifts the reading frame from lysine 328.
Molecular consequence: frameshift variant.
Genome position (GRCh38, 1-based): chrX:85,956,335-85,956,336, TT deleted on the plus strand (AA on the coding strand, the reverse complement: CHM is on the minus strand); deleting any 2 consecutive bases within chrX:85,956,335-85,956,339 gives the same sequence; the c. name uses the placement nearest the transcript's 3' end. VCF-style (leftmost placement, unchanged base first): chrX-85956334-ATT-A. GRCh37 (hg19) VCF-style: chrX-85211339-ATT-A.
Other names: c.539_540del, p.Lys180fs (NM_001320959.1, NM_001362517.1, NM_001362518.2 and 1 more transcripts); short protein forms K328fs, K180fs.
Identifiers: ClinVar variation 3651806 (VCV003651806.2).